The following is an entry in ClinVar:

ClinVar aggregate classification (germline): Uncertain significance (1 of 4 stars; one submission).

Conditions:
Hypercholesterolemia, autosomal dominant, 3 (FHCL3). Also called: Familial Hypercholesterolemia, Autosomal Dominant, 3; PCSK9-Related Familial Hypercholesterolemia, Autosomal Dominant; Familial hypercholesterolemia 3. Identifiers: MedGen C1863551, MONDO:0011369, OMIM 603776.

Submission:

All of Us Research Program, National Institutes of Health
Classification: Uncertain significance for Hypercholesterolemia, autosomal dominant, 3. Last evaluated: 2024-09-23. Review status: criteria provided, single submitter. Criteria: ACMG Guidelines, 2015. Collection method: clinical testing. Allele origin: germline. Inheritance: Autosomal dominant inheritance. Observed: 1 variant allele, 1 heterozygote.
Comment: This study involves interpretation of variants in research participants for the purpose of population health screening. Participant phenotype was not available at the time of variant classification. Additional details can be found in publication PMID: 35346344, PMCID: PMC8962531

NM_174936.4(PCSK9):c.29G>C (p.Trp10Ser)

Gene: PCSK9 (proprotein convertase subtilisin/kexin type 9; plus strand). Cytogenetic location: 1p32.3.
Variant type: single nucleotide variant.
Coding change: c.29G>C on transcript NM_174936.4 (MANE Select); coding-DNA position 29, G replaced by C.
Protein change: p.Trp10Ser; replaces tryptophan 10 with serine.
Molecular consequence: missense variant. On other transcripts: 5 prime UTR variant (1), non-coding transcript variant (8).
Genome position (GRCh38, 1-based): chr1:55,039,866, G>C. VCF-style: chr1-55039866-G-C. GRCh37 (hg19) VCF-style: chr1-55505539-G-C.
Other names: c.29G>C, p.Trp10Ser (NM_001407240.1, NM_001407241.1, NM_001407242.1 and 4 more transcripts); c.-706G>C (NM_001407246.1); short protein forms W10S.
Identifiers: ClinVar variation 3387416 (VCV003387416.1).